The following is an entry in ClinVar:

NM_198904.4(GABRG2):c.907G>A (p.Ala303Thr)

Gene: GABRG2 (gamma-aminobutyric acid type A receptor subunit gamma2; plus strand). Cytogenetic location: 5q34.
Variant type: single nucleotide variant.
Coding change: c.907G>A on transcript NM_198904.4 (MANE Select); coding-DNA position 907, G replaced by A.
Protein change: p.Ala303Thr; replaces alanine 303 with threonine.
Molecular consequence: missense variant.
Genome position (GRCh38, 1-based): chr5:162,142,301, G>A. VCF-style: chr5-162142301-G-A. GRCh37 (hg19) VCF-style: chr5-161569307-G-A.
Other names: c.907G>A, p.Ala303Thr (NM_000816.3, NM_001375340.1); c.898G>A, p.Ala300Thr (NM_001375339.1); c.904G>A, p.Ala302Thr (NM_001375341.1, NM_001375342.1); c.1027G>A, p.Ala343Thr (NM_001375343.1, NM_198903.2); c.946G>A, p.Ala316Thr (NM_001375344.1); c.841G>A, p.Ala281Thr (NM_001375345.1, NM_001375346.1); c.820G>A, p.Ala274Thr (NM_001375347.1); c.487G>A, p.Ala163Thr (NM_001375348.1, NM_001375350.1); and 1 more; short protein forms A303T, A343T, A163T, A208T, A274T, A281T, A300T, A302T.
Identifiers: ClinVar variation 663033 (VCV000663033.7), dbSNP rs1581439874, ClinGen allele CA362182249.

ClinVar aggregate classification (germline): Pathogenic (1 of 4 stars; one submission).

Conditions:
EPILEPSY, CHILDHOOD ABSENCE, SUSCEPTIBILITY TO, 2 (ECA2). Identifiers: Orphanet 64280, MedGen C1843244, OMIM 607681.
Febrile seizures, familial, 8 (FEB8). Also called: CONVULSIONS, FAMILIAL FEBRILE, 8. Identifiers: Orphanet 36387, MedGen C1969810, MONDO:0011891, OMIM 607681.

Submission:

Labcorp Genetics (formerly Invitae), Labcorp
Classification: Pathogenic for Febrile seizures, familial, 8; EPILEPSY, CHILDHOOD ABSENCE, SUSCEPTIBILITY TO, 2. Last evaluated: 2025-09-02. Review status: criteria provided, single submitter. Criteria: Invitae Variant Classification Sherloc (09022015). Collection method: clinical testing. Allele origin: germline.
Comment: This sequence change replaces alanine, which is neutral and non-polar, with threonine, which is neutral and polar, at codon 303 of the GABRG2 protein (p.Ala303Thr). This variant is not present in population databases (gnomAD no frequency). This missense change has been observed in individual(s) with GABRG2-related epilepsy (PMID: 35359574). In at least one individual the variant was observed to be de novo. ClinVar contains an entry for this variant (Variation ID: 663033). Invitae Evidence Modeling of protein sequence and biophysical properties (such as structural, functional, and spatial information, amino acid conservation, physicochemical variation, residue mobility, and thermodynamic stability) indicates that this missense variant is expected to disrupt GABRG2 protein function with a positive predictive value of 95%. For these reasons, this variant has been classified as Pathogenic.

Literature cited by the submitters: PubMed 35359574.